The following is an entry in ClinVar:

NM_017757.3(ZNF407):c.4593G>A (p.Arg1531=)

Gene: ZNF407 (zinc finger protein 407; plus strand). Cytogenetic location: 18q22.3.
Variant type: single nucleotide variant.
Coding change: c.4593G>A on transcript NM_017757.3 (MANE Select); coding-DNA position 4593, G replaced by A.
Protein change: p.Arg1531=; no amino-acid change (arginine 1531 retained).
Molecular consequence: synonymous variant.
Genome position (GRCh38, 1-based): chr18:74,635,612, G>A. VCF-style: chr18-74635612-G-A. GRCh37 (hg19) VCF-style: chr18-72347568-G-A.
Other names: c.4593G>A, p.Arg1531= (NM_001146189.1, NM_001146190.1, NM_001384475.1).
Identifiers: ClinVar variation 3352796 (VCV003352796.1).

ClinVar aggregate classification (germline): Likely benign (0 of 4 stars; one submission).

Conditions:
ZNF407-related disorder. Also called: ZNF407-related condition.

Submission:

PreventionGenetics, part of Exact Sciences
Classification: Likely benign for ZNF407-related condition. Last evaluated: 2019-03-22. Review status: no assertion criteria provided. Collection method: clinical testing. Allele origin: germline.
Comment: This variant is classified as likely benign based on ACMG/AMP sequence variant interpretation guidelines (Richards et al. 2015 PMID: 25741868, with internal and published modifications).